The following is an entry in ClinVar:

NM_005557.4(KRT16):c.362T>C (p.Met121Thr)

Gene: KRT16 (keratin 16; minus strand). Cytogenetic location: 17q21.2.
Variant type: single nucleotide variant.
Coding change: c.362T>C on transcript NM_005557.4 (MANE Select); coding-DNA position 362, T replaced by C.
Protein change: p.Met121Thr; replaces methionine 121 with threonine.
Molecular consequence: missense variant.
Genome position (GRCh38, 1-based): chr17:41,612,327, A>G on the plus strand (T>C on the coding strand, the complement: KRT16 is on the minus strand). VCF-style: chr17-41612327-A-G. GRCh37 (hg19) VCF-style: chr17-39768579-A-G.
Other names: short protein forms M121T.
Identifiers: ClinVar variation 14608 (VCV000014608.5), dbSNP rs28928894, ClinGen allele CA217377.

ClinVar aggregate classification (germline): Pathogenic/Likely pathogenic. Review status: criteria provided, multiple submitters, no conflicts (2 of 4 stars). 5 submissions from 5 submitters: Pathogenic (1); Likely pathogenic (2). 2 of the submissions do not count toward it. Last evaluated 2026-03-17.

Conditions:
Ichthyosis and erythrokeratoderma.
Pachyonychia congenita 1 (PC1). Also called: PACHYONYCHIA CONGENITA, LATE ONSET; KRT16-Related Pachyonychia Congenita; Jadassohn Lewandowsky syndrome. Identifiers: Orphanet 2309, MedGen C1706595, MONDO:0008173, OMIM 167200.
Palmoplantar keratoderma, nonepidermolytic, focal 1 (FNEPPK1). Identifiers: MedGen C4552049, MONDO:0013073, OMIM 613000.

Submissions (5):

Genetics Laboratory, Great Ormond Street Hospital NHS Foundation Trust, North Thames Genomic Laboratory Hub
Classification: Likely pathogenic for Ichthyosis and erythrokeratoderma. Last evaluated: 2026-03-17. Review status: criteria provided, single submitter. Criteria: ACGS Best Practice Guidelines for Variant Classification in Rare Disease 2024 v1.2. Collection method: clinical testing. Allele origin: germline. Affected: yes.
Comment: PS4_moderate, PM2_moderate, PP3_supporting, PM1_supporting

Fulgent Genetics
Classification: Likely pathogenic for Pachyonychia congenita 1; Palmoplantar keratoderma, nonepidermolytic, focal 1. Last evaluated: 2021-07-03. Review status: criteria provided, single submitter. Criteria: ACMG Guidelines, 2015. Collection method: clinical testing. Allele origin: unknown.

GeneDx
Classification: Pathogenic. Last evaluated: 2016-03-23. Review status: criteria provided, single submitter. Criteria: GeneDx Variant Classification (06012015). Collection method: clinical testing. Allele origin: germline. Affected: yes.
Comment: The M121T variant has been reported previously in association with pachyonychia congenita (PC) (Terrinoni et al., 2001; Wilson et al., 2014). It was not observed in approximately 6,500 individuals of European and African American ancestry in the NHLBI Exome Sequencing Project, indicating it is not a common benign variant in these populations. M121T is a non-conservative amino acid substitution, which is likely to impact secondary protein structure as these residues differ in polarity, charge, size and/or other properties. This substitution occurs within a known mutational hotspot region (helix initiation motif) that is highly conserved across all species and among all members of the keratin family. Many other pathogenic variants in patients with pachyonychia congenita have been reported at the same residue (M121K) and in nearby residues (Q122P, L124H/P/R, N125D/S) according to the Human Gene Mutation Database (Stenson et al., 2014). It is well established that keratin gene mutations affecting the residues at the ends of the central rod domains of the keratin proteins (helix initiation and termination motifs) interfere with proper keratin intermediate filament assembly and function, resulting in hyperkeratosis (Chamcheu et al., 2011). Therefore, we consider M121T to be pathogenic.

OMIM
Classification: Pathogenic for PACHYONYCHIA CONGENITA 1. Last evaluated: 2001-12-01. Review status: no assertion criteria provided. Collection method: literature only. Allele origin: germline. Not counted in ClinVar's aggregate classification.

Epithelial Biology;  Institute of Medical Biology, Singapore
No classification provided. Review status: no classification provided. Collection method: not provided. Allele origin: not provided. Not counted in ClinVar's aggregate classification.

Literature cited by the submitters: PubMed 11886499 (cited by OMIM).